The following is an entry in ClinVar:

ClinVar aggregate classification (germline): Uncertain significance. Review status: criteria provided, multiple submitters, no conflicts (2 of 4 stars). 2 submissions from 2 submitters: Uncertain significance (2). Last evaluated 2025-03-06.

Conditions:
Inborn genetic diseases. Identifiers: MedGen C0950123, MeSH D030342.

Submissions (2):

Ambry Genetics
Classification: Uncertain significance for Inborn genetic diseases. Last evaluated: 2025-03-06. Review status: criteria provided, single submitter. Criteria: Ambry Variant Classification Scheme 2023. Collection method: clinical testing. Allele origin: germline.

Labcorp Genetics (formerly Invitae), Labcorp
Classification: Uncertain significance. Last evaluated: 2022-05-13. Review status: criteria provided, single submitter. Criteria: Invitae Variant Classification Sherloc (09022015). Collection method: clinical testing. Allele origin: germline.
Comment: This variant is present in population databases (no rsID available, gnomAD 0.003%). This sequence change replaces threonine, which is neutral and polar, with methionine, which is neutral and non-polar, at codon 345 of the S1PR2 protein (p.Thr345Met). In summary, the available evidence is currently insufficient to determine the role of this variant in disease. Therefore, it has been classified as a Variant of Uncertain Significance. Algorithms developed to predict the effect of missense changes on protein structure and function are either unavailable or do not agree on the potential impact of this missense change (SIFT: "Deleterious"; PolyPhen-2: "Benign"; Align-GVGD: "Class C0"). This variant has not been reported in the literature in individuals affected with S1PR2-related conditions.

NM_004230.4(S1PR2):c.1034C>T (p.Thr345Met)

Gene: S1PR2 (sphingosine-1-phosphate receptor 2; minus strand). Cytogenetic location: 19p13.2.
Variant type: single nucleotide variant.
Coding change: c.1034C>T on transcript NM_004230.4 (MANE Select); coding-DNA position 1034, C replaced by T.
Protein change: p.Thr345Met; replaces threonine 345 with methionine.
Molecular consequence: missense variant.
Genome position (GRCh38, 1-based): chr19:10,223,872, G>A on the plus strand (C>T on the coding strand, the complement: S1PR2 is on the minus strand). VCF-style: chr19-10223872-G-A. GRCh37 (hg19) VCF-style: chr19-10334548-G-A.
Other names: c.1034C>T (NM_004230.3); short protein forms T345M.
Identifiers: ClinVar variation 2149547 (VCV002149547.5), dbSNP rs540296894, ClinGen allele CA403944897.
Genomic context (GRCh38, chr19:10,223,872, plus strand): 5'-GCCCTGGCCTGGTTGTTGGTCCACCCCCACCCTCAGACCACCGTGTTGCCCTCCAGAAAC[G>A]TGGGTGACGTGGGCATGTGCATGCCCCTCTCCAGGGAGCTGGAGCTGCGGAGTGGCAGGA-3'
Protein context (NP_004221.3, residues 335-353): ERGMHMPTSP[Thr345Met]FLEGNTVV